The following is an entry in ClinVar:

ClinVar aggregate classification (germline): Uncertain significance (1 of 4 stars; one submission).

Conditions:
Familial hemophagocytic lymphohistiocytosis 4 (FHL4). Also called: STX11-Related Familial Hemophagocytic Lymphohistiocytosis (STX11-fHLH). Identifiers: Orphanet 540, MedGen C1863728, MONDO:0011336, OMIM 603552.

Allele frequency attached by ClinVar (database versions not stated): gnomAD 0.00001; TOPMed 0.00001.
gnomAD v4.1: 3 of 1,612,216 alleles (0.00019%); highest among the groups gnomAD compares: Admixed American, 0.005%; no homozygotes.

Submission:

Labcorp Genetics (formerly Invitae), Labcorp
Classification: Uncertain significance for Familial hemophagocytic lymphohistiocytosis 4. Last evaluated: 2024-01-31. Review status: criteria provided, single submitter. Criteria: Invitae Variant Classification Sherloc (09022015). Collection method: clinical testing. Allele origin: germline.
Comment: This sequence change replaces arginine, which is basic and polar, with proline, which is neutral and non-polar, at codon 276 of the STX11 protein (p.Arg276Pro). This variant is present in population databases (rs762359713, gnomAD 0.006%). This variant has not been reported in the literature in individuals affected with STX11-related conditions. ClinVar contains an entry for this variant (Variation ID: 2413214). Advanced modeling of protein sequence and biophysical properties (such as structural, functional, and spatial information, amino acid conservation, physicochemical variation, residue mobility, and thermodynamic stability) performed at Invitae indicates that this missense variant is expected to disrupt STX11 protein function with a positive predictive value of 80%. In summary, the available evidence is currently insufficient to determine the role of this variant in disease. Therefore, it has been classified as a Variant of Uncertain Significance.

NM_003764.4(STX11):c.827G>C (p.Arg276Pro)

Gene: STX11 (syntaxin 11; plus strand). Cytogenetic location: 6q24.2.
Variant type: single nucleotide variant.
Coding change: c.827G>C on transcript NM_003764.4 (MANE Select); coding-DNA position 827, G replaced by C.
Protein change: p.Arg276Pro; replaces arginine 276 with proline.
Molecular consequence: missense variant.
Genome position (GRCh38, 1-based): chr6:144,187,454, G>C. VCF-style: chr6-144187454-G-C. GRCh37 (hg19) VCF-style: chr6-144508591-G-C.
Other names: short protein forms R276P.
Identifiers: ClinVar variation 2413214 (VCV002413214.6), dbSNP rs762359713, ClinGen allele CA4031800.